The following is an entry in ClinVar:

NM_000313.4(PROS1):c.1323_1323+1del

Gene: PROS1 (protein S; minus strand). Cytogenetic location: 3q11.1.
Variant type: Deletion.
Coding change: c.1323_1323+1del on transcript NM_000313.4 (MANE Select); coding-DNA position 1323 through the canonical splice donor site of the intron after coding-DNA position 1323, 2 bases deleted (GG; older notation c.1323_1323+1delGG).
Molecular consequence: splice donor variant.
Genome position (GRCh38, 1-based): chr3:93,886,335-93,886,336, CC deleted on the plus strand (GG on the coding strand, the reverse complement: PROS1 is on the minus strand). VCF-style (leftmost placement, unchanged base first): chr3-93886334-ACC-A. GRCh37 (hg19) VCF-style: chr3-93605178-ACC-A.
Other names: c.1419_1419+1del (NM_001314077.2).
Identifiers: ClinVar variation 959346 (VCV000959346.8), dbSNP rs1708347661, ClinGen allele CA1139658194.

ClinVar aggregate classification (germline): Likely pathogenic (1 of 4 stars; one submission).

Conditions:
Thrombophilia due to protein S deficiency, autosomal recessive (THPH6). Identifiers: Orphanet 743, MedGen C3281092, MONDO:0013791, OMIM 614514. Disease mechanism: loss of function.
Thrombophilia due to protein S deficiency, autosomal dominant (THPH5). Identifiers: Orphanet 26349, Orphanet 743, MedGen C3278211, MONDO:0012868, OMIM 612336. Disease mechanism: loss of function.

Submission:

Labcorp Genetics (formerly Invitae), Labcorp
Classification: Likely pathogenic for Thrombophilia due to protein S deficiency, autosomal recessive. Last evaluated: 2019-08-24. Review status: criteria provided, single submitter. Criteria: Invitae Variant Classification Sherloc (09022015). Collection method: clinical testing. Allele origin: germline.
Comment: This sequence change affects a donor splice site in intron 11 of the PROS1 gene. It is expected to disrupt RNA splicing and likely results in an absent or disrupted protein product. Donor and acceptor splice site variants typically lead to a loss of protein function (PMID: 16199547), and loss-of-function variants in PROS1 are known to be pathogenic (PMID: 9241758). In summary, the currently available evidence indicates that the variant is pathogenic, but additional data are needed to prove that conclusively. Therefore, this variant has been classified as Likely Pathogenic. Algorithms developed to predict the effect of sequence changes on RNA splicing suggest that this variant may disrupt the consensus splice site, but this prediction has not been confirmed by published transcriptional studies. This variant has not been reported in the literature in individuals with PROS1-related conditions. This variant is not present in population databases (ExAC no frequency).

Literature cited by the submitters: PubMed 16199547 (cited by Labcorp Genetics (formerly Invitae), Labcorp); PubMed 9241758 (cited by Labcorp Genetics (formerly Invitae), Labcorp).